The following is an entry in ClinVar:

NM_022095.4(ZNF335):c.2558del (p.Gly853fs)

Gene: ZNF335 (zinc finger protein 335; minus strand). Cytogenetic location: 20q13.12.
Variant type: Deletion.
Coding change: c.2558del on transcript NM_022095.4 (MANE Select); coding-DNA position 2558, one base deleted (G; older notation c.2558delG).
Protein change: p.Gly853fs; shifts the reading frame from glycine 853.
Molecular consequence: frameshift variant.
Genome position (GRCh38, 1-based): chr20:45,953,833, C deleted on the plus strand (G on the coding strand, the reverse complement: ZNF335 is on the minus strand); the first of 5 consecutive C bases (chr20:45,953,833-45,953,837); deleting any one gives the same sequence. VCF-style (leftmost placement, unchanged base first): chr20-45953832-GC-G. GRCh37 (hg19) VCF-style: chr20-44582471-GC-G.
Other names: short protein forms G853fs.
Identifiers: ClinVar variation 4819381 (VCV004819381.1).

ClinVar aggregate classification (germline): Pathogenic (1 of 4 stars; one submission).

Conditions:
Fetal anomalies with a likely genetic cause.

Submission:

Genetics Laboratory, Great Ormond Street Hospital NHS Foundation Trust, North Thames Genomic Laboratory Hub
Classification: Pathogenic for Fetal anomalies with a likely genetic cause. Last evaluated: 2026-02-05. Review status: criteria provided, single submitter. Criteria: ACGS Best Practice Guidelines for Variant Classification in Rare Disease 2024 v1.2. Collection method: clinical testing. Allele origin: germline. Affected: yes.
Comment: PM2_moderate, PVS1_very-strong